The following is an entry in ClinVar:

ClinVar aggregate classification (germline): Uncertain significance (1 of 4 stars; one submission).

Conditions:
Primary ciliary dyskinesia. Also called: Ciliary dyskinesia. Identifiers: Orphanet 244, MedGen C0008780, MONDO:0016575, HP:0012265.

Submission:

Labcorp Genetics (formerly Invitae), Labcorp
Classification: Uncertain significance for Primary ciliary dyskinesia. Last evaluated: 2022-09-17. Review status: criteria provided, single submitter. Criteria: Invitae Variant Classification Sherloc (09022015). Collection method: clinical testing. Allele origin: germline.
Comment: This variant, c.2495_2520delinsGT, is a complex sequence change that results in the deletion of 8 amino acid(s) in the RPGR (ORF15) protein (p.Glu832_Glu839del). This variant is not present in population databases (gnomAD no frequency). This variant has not been reported in the literature in individuals affected with RPGR (ORF15)-related conditions. Experimental studies and prediction algorithms are not available or were not evaluated, and the functional significance of this variant is currently unknown. In summary, the available evidence is currently insufficient to determine the role of this variant in disease. Therefore, it has been classified as a Variant of Uncertain Significance.

NM_001034853.2(RPGR):c.2495_2520delinsGT (p.Glu832_Glu839del)

Gene: RPGR (retinitis pigmentosa GTPase regulator; minus strand). Cytogenetic location: Xp11.4.
Variant type: Indel.
Coding change: c.2495_2520delinsGT on transcript NM_001034853.2 (MANE Select); coding-DNA positions 2495 to 2520, AGGGTGAGGGGGAAGAGGAGGAAGGG replaced by GT.
Protein change: p.Glu832_Glu839del.
Molecular consequence: inframe deletion. On other transcripts: intron variant (8).
Genome position (GRCh38, 1-based): chrX:38,286,479-38,286,504, CCCTTCCTCCTCTTCCCCCTCACCCT replaced by AC on the plus strand (AGGGTGAGGGGGAAGAGGAGGAAGGG replaced by GT on the coding strand, the reverse complement: RPGR is on the minus strand). VCF-style: chrX-38286479-CCCTTCCTCCTCTTCCCCCTCACCCT-AC. GRCh37 (hg19) VCF-style: chrX-38145732-CCCTTCCTCCTCTTCCCCCTCACCCT-AC.
Other names: c.1569+4455_1569+4480delinsGT (NM_001367249.1, NM_001367250.1); c.1902+590_1902+615delinsGT (NM_001367245.1); c.1386+4455_1386+4480delinsGT (NM_001367251.1); c.1719+590_1719+615delinsGT (NM_001367246.1); c.1572+4455_1572+4480delinsGT (NM_001367247.1); c.1905+590_1905+615delinsGT (NM_000328.3); c.1602+4455_1602+4480delinsGT (NM_001367248.1).
Identifiers: ClinVar variation 2031052 (VCV002031052.4), dbSNP rs2519790167, ClinGen allele CA2580100906.